The following is an entry in ClinVar:

ClinVar aggregate classification (germline): Uncertain significance (1 of 4 stars; one submission).

gnomAD v4.1: 3 of 1,575,810 alleles (0.00019%); highest among the groups gnomAD compares: Non-Finnish European, 0.00026%; no homozygotes.

Submission:

Labcorp Genetics (formerly Invitae), Labcorp
Classification: Uncertain significance. Last evaluated: 2025-03-10. Review status: criteria provided, single submitter. Criteria: Invitae Variant Classification Sherloc (09022015). Collection method: clinical testing. Allele origin: germline.
Comment: This sequence change replaces glycine, which is neutral and non-polar, with serine, which is neutral and polar, at codon 154 of the WFS1 protein (p.Gly154Ser). This variant also falls at the last nucleotide of exon 4, which is part of the consensus splice site for this exon. This variant is not present in population databases (gnomAD no frequency). This variant has not been reported in the literature in individuals affected with WFS1-related conditions. An algorithm developed to predict the effect of missense changes on protein structure and function (PolyPhen-2) suggests that this variant is likely to be disruptive. Variants that disrupt the consensus splice site are a relatively common cause of aberrant splicing (PMID: 17576681, 9536098). Algorithms developed to predict the effect of sequence changes on RNA splicing suggest that this variant may disrupt the consensus splice site. In summary, the available evidence is currently insufficient to determine the role of this variant in disease. Therefore, it has been classified as a Variant of Uncertain Significance.

Literature cited by the submitters: PubMed 17576681; PubMed 9536098.

NM_006005.3(WFS1):c.460G>A (p.Gly154Ser)

Gene: WFS1 (wolframin ER transmembrane glycoprotein; plus strand). Cytogenetic location: 4p16.1.
Variant type: single nucleotide variant.
Coding change: c.460G>A on transcript NM_006005.3 (MANE Select); coding-DNA position 460, G replaced by A.
Protein change: p.Gly154Ser; replaces glycine 154 with serine.
Molecular consequence: missense variant.
Genome position (GRCh38, 1-based): chr4:6,289,131, G>A. VCF-style: chr4-6289131-G-A. GRCh37 (hg19) VCF-style: chr4-6290858-G-A.
Other names: c.460G>A, p.Gly154Ser (NM_001145853.1); short protein forms G154S.
Identifiers: ClinVar variation 4714809 (VCV004714809.1).